The following is an entry in ClinVar:

NM_005257.6(GATA6):c.1242C>A (p.Cys414Ter)

Gene: GATA6 (GATA binding protein 6; plus strand). Cytogenetic location: 18q11.2.
Variant type: single nucleotide variant.
Coding change: c.1242C>A on transcript NM_005257.6 (MANE Select); coding-DNA position 1242, C replaced by A.
Protein change: p.Cys414Ter; replaces cysteine 414 with a stop codon.
Molecular consequence: nonsense.
Genome position (GRCh38, 1-based): chr18:22,177,061, C>A. VCF-style: chr18-22177061-C-A. GRCh37 (hg19) VCF-style: chr18-19757022-C-A.
Other names: short protein forms C414*.
Identifiers: ClinVar variation 1704973 (VCV001704973.2), dbSNP rs2510629614, ClinGen allele CA401802119.

ClinVar aggregate classification (germline): Pathogenic (1 of 4 stars; one submission).

Submission:

GeneDx
Classification: Pathogenic. Last evaluated: 2022-09-09. Review status: criteria provided, single submitter. Criteria: GeneDx Variant Classification Process June 2021. Collection method: clinical testing. Allele origin: germline. Affected: yes.
Comment: Reported in an adult patient with diabetes mellitus, partial pancreatic agenesis, and congenital heart disease (Miles et al., 2020); Identified in a patient with neonatal diabetes mellitus, congenital cardiac defects, and hydronephrosis in the published literature, however, parental segregation studies were not completed and no other genes were sequenced (Tuhan et al., 2015); Not observed at significant frequency in large population cohorts (gnomAD); Nonsense variant predicted to result in protein truncation or nonsense mediated decay in a gene for which loss-of-function is a known mechanism of disease; This variant is associated with the following publications: (PMID: 25708516, 32524025)